The following is an entry in ClinVar:

NM_024649.5(BBS1):c.1232_1235del (p.Gly411fs)

Genes: ZDHHC24 (zDHHC palmitoyltransferase 24; minus strand), BBS1 (Bardet-Biedl syndrome 1; plus strand). Cytogenetic location: 11q13.2.
Variant type: Microsatellite.
Coding change: c.1232_1235del on transcript NM_024649.5 (MANE Select); coding-DNA positions 1232 to 1235, 4 bases deleted (GAGG; older notation c.1232_1235delGAGG).
Protein change: p.Gly411fs; shifts the reading frame from glycine 411.
Molecular consequence: frameshift variant. On other transcripts: intron variant (1).
Genome position (GRCh38, 1-based): chr11:66,526,700-66,526,703, GAGG deleted; deleting any 4 consecutive bases within chr11:66,526,696-66,526,703 gives the same sequence; the c. name uses the placement nearest the transcript's 3' end. VCF-style (leftmost placement, unchanged base first): chr11-66526695-AGAGG-A. GRCh37 (hg19) VCF-style: chr11-66294166-AGAGG-A.
Other names: c.*21+237_*21+240del (NM_001348571.2); short protein forms G411fs.
Identifiers: ClinVar variation 444260 (VCV000444260.50), dbSNP rs1555049194, ClinGen allele CA658653800.
Genomic context (GRCh38, chr11:66,526,695, plus strand): 5'-GTCCACTTCCCTAGGTGGTGGCCTGATCATCAAGATCCTGAAGCGTACAGCAGTGTTTGT[AGAGG>A]GAGGAAGTGAGGTGGGTCCCCCACCAGCCCAGGCCATGAAACTCAATGTGCCCCGAAAGA-3'

ClinVar aggregate classification (germline): Pathogenic/Likely pathogenic. Review status: criteria provided, multiple submitters, no conflicts (2 of 4 stars). 5 submissions from 5 submitters: Pathogenic (3); Likely pathogenic (2). Last evaluated 2024-12-04.

Conditions:
BBS1-related disorder. Also called: BBS1-related condition.
Retinitis pigmentosa (RP). Identifiers: Orphanet 791, MedGen C0035334, MeSH D012174, MONDO:0019200, OMIM 268000. Inheritance: Autosomal dominant, autosomal recessive and X linked inheritance.
Bardet-Biedl syndrome (BBS). Identifiers: Orphanet 110, MedGen C0752166, MONDO:0015229.

Submissions (5):

GeneDx
Classification: Pathogenic. Last evaluated: 2024-12-04. Review status: criteria provided, single submitter. Criteria: GeneDx Variant Classification Process June 2021. Collection method: clinical testing. Allele origin: germline. Affected: yes.
Comment: Reported with a second BBS1 variant, phase unknown, in a patient with retinitis pigmentosa in published literature (PMID: 32531858); Frameshift variant predicted to result in protein truncation or nonsense mediated decay in a gene for which loss of function is a known mechanism of disease; Not observed at significant frequency in large population cohorts (gnomAD); This variant is associated with the following publications: (PMID: 35886001, 32531858)

Blueprint Genetics
Classification: Likely pathogenic for BBS1-related disorders. Last evaluated: 2021-09-14. Review status: criteria provided, single submitter. Criteria: ACMG Guidelines, 2015. Collection method: clinical testing. Allele origin: germline. Affected: yes. Observed: 1 variant allele.

Labcorp Genetics (formerly Invitae), Labcorp
Classification: Pathogenic for Bardet-Biedl syndrome. Last evaluated: 2020-07-09. Review status: criteria provided, single submitter. Criteria: Invitae Variant Classification Sherloc (09022015). Collection method: clinical testing. Allele origin: germline.
Comment: For these reasons, this variant has been classified as Pathogenic. Loss-of-function variants in BBS1 are known to be pathogenic (PMID: 12118255). This variant has not been reported in the literature in individuals with BBS1-related conditions. ClinVar contains an entry for this variant (Variation ID: 444260). This variant is not present in population databases (ExAC no frequency). This sequence change creates a premature translational stop signal (p.Gly411Glufs*12) in the BBS1 gene. It is expected to result in an absent or disrupted protein product.

Molecular Genetics Laboratory, Institute for Ophthalmic Research
Classification: Pathogenic for Retinitis pigmentosa. Last evaluated: 2020-01-09. Review status: criteria provided, single submitter. Criteria: ACMG Guidelines, 2015. Collection method: research. Allele origin: germline. Affected: yes.

CeGaT Center for Human Genetics Tuebingen
Classification: Likely pathogenic. Last evaluated: 2017-02-01. Review status: criteria provided, single submitter. Criteria: CeGaT Center For Human Genetics Tuebingen Variant Classification Criteria Version 2. Collection method: clinical testing. Allele origin: germline. Affected: yes. Observed: 1 variant allele.

Literature cited by the submitters: PubMed 12118255 (cited by Labcorp Genetics (formerly Invitae), Labcorp).